The following is an entry in ClinVar:

ClinVar aggregate classification (germline): Uncertain significance. Review status: criteria provided, multiple submitters, no conflicts (2 of 4 stars). 2 submissions from 2 submitters: Uncertain significance (2). Last evaluated 2025-07-31.

Conditions:
Charcot-Marie-Tooth disease type 2. Also called: Charcot-Marie-Tooth type 2. Identifiers: Orphanet 64746, MedGen C0270914, MONDO:0018993.

Allele frequency attached by ClinVar (database versions not stated): TOPMed 0.00003; gnomAD exomes below 0.00001.
gnomAD v4.1: 2 of 1,614,084 alleles (0.00012%); highest among the groups gnomAD compares: East Asian, 0.0045%; no homozygotes.

Submissions (2):

Labcorp Genetics (formerly Invitae), Labcorp
Classification: Uncertain significance for Charcot-Marie-Tooth disease type 2. Last evaluated: 2025-07-31. Review status: criteria provided, single submitter. Criteria: Invitae Variant Classification Sherloc (09022015). Collection method: clinical testing. Allele origin: germline.
Comment: This sequence change replaces phenylalanine, which is neutral and non-polar, with cysteine, which is neutral and slightly polar, at codon 1722 of the KIF1B protein (p.Phe1722Cys). This variant is present in population databases (no rsID available, gnomAD 0.01%). This variant has not been reported in the literature in individuals affected with KIF1B-related conditions. ClinVar contains an entry for this variant (Variation ID: 2731640). An algorithm developed to predict the effect of missense changes on protein structure and function (PolyPhen-2) suggests that this variant is likely to be disruptive. In summary, the available evidence is currently insufficient to determine the role of this variant in disease. Therefore, it has been classified as a Variant of Uncertain Significance.

Ambry Genetics
Classification: Uncertain significance. Last evaluated: 2023-11-20. Review status: criteria provided, single submitter. Criteria: Ambry Variant Classification Scheme 2023. Collection method: clinical testing. Allele origin: germline.
Comment: The p.F1722C variant (also known as c.5165T>G), located in coding exon 45 of the KIF1B gene, results from a T to G substitution at nucleotide position 5165. The phenylalanine at codon 1722 is replaced by cysteine, an amino acid with highly dissimilar properties. This amino acid position is highly conserved in available vertebrate species. In addition, this alteration is predicted to be deleterious by in silico analysis. The evidence for this gene-disease relationship is limited; therefore, the clinical significance of this alteration is unclear.

NM_001365951.3(KIF1B):c.5303T>G (p.Phe1768Cys)

Gene: KIF1B (kinesin family member 1B; plus strand). Cytogenetic location: 1p36.22.
Variant type: single nucleotide variant.
Coding change: c.5303T>G on transcript NM_001365951.3 (MANE Select); coding-DNA position 5303, T replaced by G.
Protein change: p.Phe1768Cys; replaces phenylalanine 1768 with cysteine.
Molecular consequence: missense variant.
Genome position (GRCh38, 1-based): chr1:10,375,268, T>G. VCF-style: chr1-10375268-T-G. GRCh37 (hg19) VCF-style: chr1-10435326-T-G.
Other names: c.5303T>G, p.Phe1768Cys (NM_001365952.1); c.5165T>G, p.Phe1722Cys (NM_015074.3); short protein forms F1722C, F1768C.
Identifiers: ClinVar variation 2731640 (VCV002731640.4), dbSNP rs1231628575, ClinGen allele CA338331658.